The following is an entry in ClinVar:

NM_001375524.1(TRRAP):c.653G>T (p.Gly218Val)

Gene: TRRAP (transformation/transcription domain associated protein; plus strand). Cytogenetic location: 7q22.1.
Variant type: single nucleotide variant.
Coding change: c.653G>T on transcript NM_001375524.1 (MANE Select); coding-DNA position 653, G replaced by T.
Protein change: p.Gly218Val; replaces glycine 218 with valine.
Molecular consequence: missense variant.
Genome position (GRCh38, 1-based): chr7:98,899,441, G>T. VCF-style: chr7-98899441-G-T. GRCh37 (hg19) VCF-style: chr7-98497064-G-T.
Other names: c.653G>T, p.Gly218Val (NM_001244580.2, NM_003496.4); short protein forms G218V.
Identifiers: ClinVar variation 3906318 (VCV003906318.1).

ClinVar aggregate classification (germline): Uncertain significance (1 of 4 stars; one submission).

Submission:

GeneDx
Classification: Uncertain significance. Last evaluated: 2024-12-22. Review status: criteria provided, single submitter. Criteria: GeneDx Variant Classification Process June 2021. Collection method: clinical testing. Allele origin: germline. Affected: yes.
Comment: Not observed at significant frequency in large population cohorts (gnomAD); In silico analysis supports that this missense variant has a deleterious effect on protein structure/function; Has not been previously published as pathogenic or benign to our knowledge